The following is an entry in ClinVar:

ClinVar aggregate classification (germline): Likely benign. Review status: criteria provided, multiple submitters, no conflicts (2 of 4 stars). 3 submissions from 3 submitters: Likely benign (3). Last evaluated 2024-08-06.

Conditions:
Familial thoracic aortic aneurysm and aortic dissection (TAAD). Also called: Thoracic aortic aneurysms and dissections. Identifiers: Orphanet 91387, MedGen C4707243, MONDO:0019625.
Ehlers-Danlos syndrome, type 4 (EDSVASC). Also called: Ehlers-Danlos syndrome vascular type; Ehlers Danlos syndrome, ecchymotic type; Ehlers Danlos syndrome, arterial type; Ehlers Danlos syndrome, Sack-Barabas type; Ehlers-Danlos Syndrome Type IV. Identifiers: Orphanet 286, MedGen C0268338, MONDO:0017314, OMIM 130050.

Allele frequency attached by ClinVar (database versions not stated): gnomAD 0.00001; TOPMed 0.00002.
gnomAD v4.1: 1 of 1,613,676 alleles (0.000062%); highest among the groups gnomAD compares: Admixed American, 0.0017%; no homozygotes.

Submissions (3):

All of Us Research Program, National Institutes of Health
Classification: Likely benign for Ehlers-Danlos syndrome, type 4. Last evaluated: 2024-08-06. Review status: criteria provided, single submitter. Criteria: ACMG Guidelines, 2015. Collection method: clinical testing. Allele origin: germline. Inheritance: Autosomal dominant inheritance. Observed: 2 variant alleles, 2 heterozygotes.
Comment: This study involves interpretation of variants in research participants for the purpose of population health screening. Participant phenotype was not available at the time of variant classification. Additional details can be found in publication PMID: 35346344, PMCID: PMC8962531

Color Diagnostics, LLC DBA Color Health
Classification: Likely benign for Familial thoracic aortic aneurysm and aortic dissection. Last evaluated: 2024-04-23. Review status: criteria provided, single submitter. Criteria: ACMG Guidelines, 2015. Collection method: clinical testing. Allele origin: germline.

Labcorp Genetics (formerly Invitae), Labcorp
Classification: Likely benign for Ehlers-Danlos syndrome, type 4. Last evaluated: 2023-07-26. Review status: criteria provided, single submitter. Criteria: Invitae Variant Classification Sherloc (09022015). Collection method: clinical testing. Allele origin: germline.

NM_000090.4(COL3A1):c.2205A>C (p.Gly735=)

Gene: COL3A1 (collagen type III alpha 1 chain; plus strand). Cytogenetic location: 2q32.2.
Variant type: single nucleotide variant.
Coding change: c.2205A>C on transcript NM_000090.4 (MANE Select); coding-DNA position 2205, A replaced by C.
Protein change: p.Gly735=; no amino-acid change (glycine 735 retained).
Molecular consequence: synonymous variant.
Genome position (GRCh38, 1-based): chr2:188,999,553, A>C. VCF-style: chr2-188999553-A-C. GRCh37 (hg19) VCF-style: chr2-189864279-A-C.
Identifiers: ClinVar variation 2889125 (VCV002889125.5), dbSNP rs1191871754, ClinGen allele CA430310669.